The following is an entry in ClinVar:

ClinVar aggregate classification (germline): Benign/Likely benign. Review status: criteria provided, multiple submitters, no conflicts (2 of 4 stars). 2 submissions from 2 submitters: Benign (1); Likely benign (1). Last evaluated 2026-01-25.

Allele frequency attached by ClinVar (database versions not stated): 1000 Genomes Project 0.00140; 1000 Genomes Project 30x 0.00141; gnomAD 0.00214 and 0.00223; TOPMed 0.00227; ESP Exome Variant Server 0.00239.
gnomAD v4.1: 6,121 of 1,576,300 alleles (0.39%); highest among the groups gnomAD compares: Non-Finnish European, 0.48%; 21 homozygotes.

Submissions (2):

Labcorp Genetics (formerly Invitae), Labcorp
Classification: Benign. Last evaluated: 2026-01-25. Review status: criteria provided, single submitter. Criteria: Invitae Variant Classification Sherloc (09022015). Collection method: clinical testing. Allele origin: germline.

CeGaT Center for Human Genetics Tuebingen
Classification: Likely benign. Last evaluated: 2025-07-01. Review status: criteria provided, single submitter. Criteria: CeGaT Center For Human Genetics Tuebingen Variant Classification Criteria Version 2. Collection method: clinical testing. Allele origin: germline. Affected: yes. Observed: 4 variant alleles.
Comment: WDR36: BP4, BP7, BS2

NM_139281.3(WDR36):c.423G>A (p.Gln141=)

Gene: WDR36 (WD repeat domain 36; plus strand). Cytogenetic location: 5q22.1.
Variant type: single nucleotide variant.
Coding change: c.423G>A on transcript NM_139281.3 (MANE Select); coding-DNA position 423, G replaced by A.
Protein change: p.Gln141=; no amino-acid change (glutamine 141 retained).
Molecular consequence: synonymous variant.
Genome position (GRCh38, 1-based): chr5:111,100,602, G>A. VCF-style: chr5-111100602-G-A. GRCh37 (hg19) VCF-style: chr5-110436301-G-A.
Identifiers: ClinVar variation 1600036 (VCV001600036.32), dbSNP rs137855986, ClinGen allele CA3365295.